The following is an entry in ClinVar:

ClinVar aggregate classification (germline): Uncertain significance (1 of 4 stars; one submission).

Conditions:
Neurodevelopmental disorder with microcephaly, seizures, and cortical atrophy. Identifiers: MedGen C4540493, MONDO:0060621, OMIM 617802.

Submission:

Juno Genomics, Hangzhou Juno Genomics, Inc
Classification: Uncertain significance for Neurodevelopmental disorder with microcephaly, seizures, and cortical atrophy. Review status: criteria provided, single submitter. Criteria: ACMG Guidelines, 2015. Collection method: clinical testing. Allele origin: germline.
Comment: Absent from controls (or at extremely low frequency if recessive) in Genome Aggregation Database.;Multiple lines of computational evidence support a deleterious effect on the gene or gene product.

NM_006295.3(VARS1):c.2242-5G>A

Gene: VARS1 (valyl-tRNA synthetase 1; minus strand). Cytogenetic location: 6p21.33.
Variant type: single nucleotide variant.
Coding change: c.2242-5G>A on transcript NM_006295.3 (MANE Select); 5 bases into the intron before coding-DNA position 2242, G replaced by A.
Molecular consequence: intron variant.
Genome position (GRCh38, 1-based): chr6:31,781,957, C>T on the plus strand (G>A on the coding strand, the complement: VARS1 is on the minus strand). VCF-style: chr6-31781957-C-T. GRCh37 (hg19) VCF-style: chr6-31749734-C-T.
Identifiers: ClinVar variation 5018705 (VCV005018705.2).
Genomic context (GRCh38, chr6:31,781,957, plus strand): 5'-TTCTCCCGGGCCTCCGCCTCATTGCGTCCACTCACCCAGTACCGCCCATCAGGGTCCTGC[C>T]ACAGGTGCAGTGATTACCCAAGGGGGTGTGTCTGCTTCTGGCTCACCCTGCCCCTCCCCC-3'